The following is an entry in ClinVar:

NM_000291.4(PGK1):c.1048C>T (p.Arg350Trp)

Gene: PGK1 (phosphoglycerate kinase 1; plus strand). Cytogenetic location: Xq21.1.
Variant type: single nucleotide variant.
Coding change: c.1048C>T on transcript NM_000291.4 (MANE Select); coding-DNA position 1048, C replaced by T.
Protein change: p.Arg350Trp; replaces arginine 350 with tryptophan.
Molecular consequence: missense variant.
Genome position (GRCh38, 1-based): chrX:78,124,985, C>T. VCF-style: chrX-78124985-C-T. GRCh37 (hg19) VCF-style: chrX-77380482-C-T.
Other names: p.Arg350Trp; short protein forms R350W.
Identifiers: ClinVar variation 669319 (VCV000669319.22), dbSNP rs183087139, ClinGen allele CA10459813.

ClinVar aggregate classification (germline): Conflicting classifications of pathogenicity. Review status: criteria provided, conflicting classifications (1 of 4 stars). 7 submissions from 7 submitters: Uncertain significance (2); Benign (1); Likely benign (4). Last evaluated 2026-06-10.

Conditions:
Inborn genetic diseases. Identifiers: MedGen C0950123, MeSH D030342.
Glycogen storage disease due to phosphoglycerate kinase 1 deficiency. Also called: PHOSPHOGLYCERATE KINASE 1 DEFICIENCY WITH LEVO-DOPA-RESPONSIVE PARKINSONISM; PGK1 DEFICIENCY. Identifiers: Orphanet 713, MedGen C1970848, MONDO:0010392, OMIM 300653.
PGK1-related disorder. Also called: PGK1-related condition.

Allele frequency attached by ClinVar (database versions not stated): ESP Exome Variant Server 0.00009; ExAC 0.00017; gnomAD exomes 0.00017; gnomAD 0.00074 and 0.00076; TOPMed 0.00154; 1000 Genomes Project 0.00212; 1000 Genomes Project 30x 0.00229.
gnomAD v4.1: 197 of 1,208,134 alleles (0.016%); highest among the groups gnomAD compares: Admixed American, 0.23%; no homozygotes.

Submissions (7):

PreventionGenetics, part of Exact Sciences
Classification: Likely benign for PGK1-related condition. Last evaluated: 2026-06-10. Review status: criteria provided, single submitter. Criteria: ACMG Guidelines, 2015. Collection method: clinical testing. Allele origin: germline.
Comment: This variant is classified as likely benign based on ACMG/AMP sequence variant interpretation guidelines (Richards et al. 2015 PMID: 25741868, with internal and published modifications).

Labcorp Genetics (formerly Invitae), Labcorp
Classification: Benign. Last evaluated: 2026-02-01. Review status: criteria provided, single submitter. Criteria: Invitae Variant Classification Sherloc (09022015). Collection method: clinical testing. Allele origin: germline.

Blueprint Genetics
Classification: Likely benign. Last evaluated: 2024-09-06. Review status: criteria provided, single submitter. Criteria: ACMG Guidelines, 2015. Collection method: clinical testing. Allele origin: germline.

Mayo Clinic Laboratories, Mayo Clinic
Classification: Uncertain significance. Last evaluated: 2022-11-18. Review status: criteria provided, single submitter. Criteria: ACMG Guidelines, 2015. Collection method: clinical testing. Allele origin: germline. Observed: 2 variant alleles.
Comment: BS1

ARUP Laboratories, Molecular Genetics and Genomics, ARUP Laboratories
Classification: Uncertain significance for Glycogen storage disease due to phosphoglycerate kinase 1 deficiency. Last evaluated: 2022-01-18. Review status: criteria provided, single submitter. Criteria: ARUP Molecular Germline Variant Investigation Process 2021. Collection method: clinical testing. Allele origin: germline.

GeneDx
Classification: Likely benign. Last evaluated: 2019-12-10. Review status: criteria provided, single submitter. Criteria: GeneDx Variant Classification Process June 2021. Collection method: clinical testing. Allele origin: germline. Affected: yes.

Ambry Genetics
Classification: Likely benign for Inborn genetic diseases. Last evaluated: 2015-12-24. Review status: criteria provided, single submitter. Criteria: Ambry Variant Classification Scheme 2023. Collection method: clinical testing. Allele origin: germline.